The following is an entry in ClinVar:

NM_004082.5(DCTN1):c.810C>T (p.Ala270=)

Gene: DCTN1 (dynactin subunit 1; minus strand). Cytogenetic location: 2p13.1.
Variant type: single nucleotide variant.
Coding change: c.810C>T on transcript NM_004082.5 (MANE Select); coding-DNA position 810, C replaced by T.
Protein change: p.Ala270=; no amino-acid change (alanine 270 retained).
Molecular consequence: synonymous variant. On other transcripts: non-coding transcript variant (1).
Genome position (GRCh38, 1-based): chr2:74,371,012, G>A on the plus strand (C>T on the coding strand, the complement: DCTN1 is on the minus strand). VCF-style: chr2-74371012-G-A. GRCh37 (hg19) VCF-style: chr2-74598139-G-A.
Other names: c.750C>T, p.Ala250= (NM_001135040.3); c.408C>T, p.Ala136= (NM_001135041.3, NM_023019.4); c.699C>T, p.Ala233= (NM_001190836.2); c.789C>T, p.Ala263= (NM_001190837.2); c.759C>T, p.Ala253= (NM_001378991.1); c.741C>T, p.Ala247= (NM_001378992.1).
Identifiers: ClinVar variation 3045277 (VCV003045277.4), dbSNP rs569011011, ClinGen allele CA1722323.

ClinVar aggregate classification (germline): Likely benign. Review status: criteria provided, single submitter (1 of 4 stars). 2 submissions from 2 submitters: Likely benign (1). 1 of the submissions does not count toward it. Last evaluated 2024-07-11.

Conditions:
DCTN1-related disorder. Also called: DCTN1-related condition.
Perry syndrome. Also called: PARKINSONISM WITH ALVEOLAR HYPOVENTILATION AND MENTAL DEPRESSION. Identifiers: Orphanet 178509, MedGen C1868594, MONDO:0008201, OMIM 168605.
Amyotrophic lateral sclerosis type 1 (ALS1). Also called: AMYOTROPHIC LATERAL SCLEROSIS 1, FAMILIAL. Identifiers: Orphanet 803, MedGen C1862939, MONDO:0007103, OMIM 105400.
Neuronopathy, distal hereditary motor, type 7B. Also called: Distal Hereditary Motor Neuronopathy Type 7B (dHMN7B); NEURONOPATHY, DISTAL HEREDITARY MOTOR, AUTOSOMAL DOMINANT 14; NEURONOPATHY, DISTAL HEREDITARY MOTOR, HARDING TYPE VIIB; NEUROPATHY, DISTAL HEREDITARY MOTOR, HARDING TYPE VIIB; NEUROPATHY, DISTAL HEREDITARY MOTOR, WITH VOCAL CORD PARALYSIS, HARDING TYPE VIIB; HMN VIIB. Identifiers: Orphanet 139589, MedGen C1843315, MONDO:0011879, OMIM 607641.

gnomAD v4.1: 47 of 1,614,108 alleles (0.0029%); highest among the groups gnomAD compares: South Asian, 0.027%; no homozygotes.

Submissions (2):

Labcorp Genetics (formerly Invitae), Labcorp
Classification: Likely benign for Amyotrophic lateral sclerosis type 1; Neuronopathy, distal hereditary motor, type 7B; Perry syndrome. Last evaluated: 2024-07-11. Review status: criteria provided, single submitter. Criteria: Invitae Variant Classification Sherloc (09022015). Collection method: clinical testing. Allele origin: germline.

PreventionGenetics, part of Exact Sciences
Classification: Likely benign for DCTN1-related condition. Last evaluated: 2019-10-31. Review status: no assertion criteria provided. Collection method: clinical testing. Allele origin: germline. Not counted in ClinVar's aggregate classification.
Comment: This variant is classified as likely benign based on ACMG/AMP sequence variant interpretation guidelines (Richards et al. 2015 PMID: 25741868, with internal and published modifications).